The following is an entry in ClinVar:

NM_000147.5(FUCA1):c.262C>T (p.Gln88Ter)

Gene: FUCA1 (alpha-L-fucosidase 1; minus strand). Cytogenetic location: 1p36.11.
Variant type: single nucleotide variant.
Coding change: c.262C>T on transcript NM_000147.5 (MANE Select); coding-DNA position 262, C replaced by T.
Protein change: p.Gln88Ter; replaces glutamine 88 with a stop codon.
Molecular consequence: nonsense. On other transcripts: non-coding transcript variant (4).
Genome position (GRCh38, 1-based): chr1:23,868,025, G>A on the plus strand (C>T on the coding strand, the complement: FUCA1 is on the minus strand). VCF-style: chr1-23868025-G-A. GRCh37 (hg19) VCF-style: chr1-24194515-G-A.
Other names: short protein forms Q88*.
Identifiers: ClinVar variation 4799306 (VCV004799306.1).

ClinVar aggregate classification (germline): Pathogenic (1 of 4 stars; one submission).

Conditions:
Fucosidosis. Also called: ALPHA-L-FUCOSIDASE DEFICIENCY. Identifiers: Orphanet 349, MedGen C0016788, MONDO:0009254, OMIM 230000.

Submission:

Labcorp Genetics (formerly Invitae), Labcorp
Classification: Pathogenic for Fucosidosis. Last evaluated: 2026-01-05. Review status: criteria provided, single submitter. Criteria: Invitae Variant Classification Sherloc (09022015). Collection method: clinical testing. Allele origin: germline.
Comment: This sequence change creates a premature translational stop signal (p.Gln88*) in the FUCA1 gene. It is expected to result in an absent or disrupted protein product. Loss-of-function variants in FUCA1 are known to be pathogenic (PMID: 10094192). This variant is not present in population databases (gnomAD no frequency). This variant has not been reported in the literature in individuals affected with FUCA1-related conditions. For these reasons, this variant has been classified as Pathogenic.

Literature cited by the submitters: PubMed 10094192.